The following is an entry in ClinVar:

ClinVar aggregate classification (germline): Likely benign. Review status: criteria provided, multiple submitters, no conflicts (2 of 4 stars). 5 submissions from 5 submitters: Likely benign (4). 1 of the submissions does not count toward it. Last evaluated 2026-02-04.

Conditions:
FLNC-related disorder. Also called: FLNC-related disorders; FLNC-related condition.
Myofibrillar myopathy 5. Also called: Filaminopathy (type); FILAMINOPATHY, AUTOSOMAL DOMINANT. Identifiers: Orphanet 171445, MedGen C1836050, MONDO:0012289, OMIM 609524.
Hypertrophic cardiomyopathy 26. Also called: Cardiomyopathy, familial hypertrophic, 26. Identifiers: Orphanet 75249, MedGen C4310749, MONDO:0014883, OMIM 617047.
Distal myopathy with posterior leg and anterior hand involvement. Also called: WILLIAMS DISTAL MYOPATHY. Identifiers: Orphanet 63273, MedGen C3279722, MONDO:0013550, OMIM 614065.
Cardiovascular phenotype. Identifiers: MedGen CN230736.

Allele frequency attached by ClinVar (database versions not stated): ExAC 0.00001; gnomAD 0.00001; gnomAD exomes 0.00001; TOPMed 0.00001.
gnomAD v4.1: 16 of 1,614,026 alleles (0.00099%); highest among the groups gnomAD compares: Non-Finnish European, 0.0013%; no homozygotes.

Submissions (5):

Labcorp Genetics (formerly Invitae), Labcorp
Classification: Likely benign for Distal myopathy with posterior leg and anterior hand involvement; Myofibrillar myopathy 5; Hypertrophic cardiomyopathy 26. Last evaluated: 2026-02-04. Review status: criteria provided, single submitter. Criteria: Invitae Variant Classification Sherloc (09022015). Collection method: clinical testing. Allele origin: germline.

Women's Health and Genetics/Laboratory Corporation of America, LabCorp
Classification: Likely benign. Last evaluated: 2025-12-02. Review status: criteria provided, single submitter. Criteria: LabCorp Variant Classification Summary - May 2015. Collection method: clinical testing. Allele origin: germline.

Blueprint Genetics
Classification: Likely benign. Last evaluated: 2024-03-27. Review status: criteria provided, single submitter. Criteria: ACMG Guidelines, 2015. Collection method: clinical testing. Allele origin: germline.

Ambry Genetics
Classification: Likely benign for Cardiovascular phenotype. Last evaluated: 2023-05-11. Review status: criteria provided, single submitter. Criteria: Ambry Variant Classification Scheme 2023. Collection method: clinical testing. Allele origin: germline.

PreventionGenetics, part of Exact Sciences
Classification: Likely benign for FLNC-related condition. Last evaluated: 2020-09-18. Review status: no assertion criteria provided. Collection method: clinical testing. Allele origin: germline. Not counted in ClinVar's aggregate classification.
Comment: This variant is classified as likely benign based on ACMG/AMP sequence variant interpretation guidelines (Richards et al. 2015 PMID: 25741868, with internal and published modifications).

NM_001458.5(FLNC):c.423C>T (p.Tyr141=)

Gene: FLNC (filamin C; plus strand). Cytogenetic location: 7q32.1.
Variant type: single nucleotide variant.
Coding change: c.423C>T on transcript NM_001458.5 (MANE Select); coding-DNA position 423, C replaced by T.
Protein change: p.Tyr141=; no amino-acid change (tyrosine 141 retained).
Molecular consequence: synonymous variant.
Genome position (GRCh38, 1-based): chr7:128,835,396, C>T. VCF-style: chr7-128835396-C-T. GRCh37 (hg19) VCF-style: chr7-128475450-C-T.
Other names: c.423C>T, p.Tyr141= (NM_001127487.2).
Identifiers: ClinVar variation 751031 (VCV000751031.17), dbSNP rs761354079, ClinGen allele CA4474033.